The following is an entry in ClinVar:

ClinVar aggregate classification (germline): Uncertain significance. Review status: criteria provided, multiple submitters, no conflicts (2 of 4 stars). 3 submissions from 3 submitters: Uncertain significance (3). Last evaluated 2026-03-19.

Conditions:
Charcot-Marie-Tooth disease type 4. Also called: Charcot-Marie-Tooth disease, type IV; Charcot-Marie-Tooth, Type 4. Identifiers: Orphanet 64749, MedGen C4082197, MONDO:0018995.

Allele frequency attached by ClinVar (database versions not stated): gnomAD exomes below 0.00001 and 0.00001; TOPMed 0.00001; ExAC 0.00002; gnomAD 0.00002; ESP Exome Variant Server 0.00008.
gnomAD v4.1: 7 of 1,614,072 alleles (0.00043%); highest among the groups gnomAD compares: African/African-American, 0.0027%; no homozygotes.

Submissions (3):

GeneDx
Classification: Uncertain significance. Last evaluated: 2026-03-19. Review status: criteria provided, single submitter. Criteria: GeneDx Variant Classification Process June 2021. Collection method: clinical testing. Allele origin: germline.
Comment: In silico analysis supports that this missense variant has a deleterious effect on protein structure/function; Has not been previously published as pathogenic or benign to our knowledge; This variant is associated with the following publications: (PMID: 22734899)

Athena Diagnostics
Classification: Uncertain significance. Last evaluated: 2023-11-15. Review status: criteria provided, single submitter. Criteria: Athena Diagnostics Criteria. Collection method: clinical testing. Allele origin: unknown.
Comment: Available data are insufficient to determine the clinical significance of the variant at this time. The frequency of this variant in the general population is uninformative in assessment of its pathogenicity. Computational tools predict that this variant is damaging.

Labcorp Genetics (formerly Invitae), Labcorp
Classification: Uncertain significance for Charcot-Marie-Tooth disease type 4. Last evaluated: 2021-08-26. Review status: criteria provided, single submitter. Criteria: Invitae Variant Classification Sherloc (09022015). Collection method: clinical testing. Allele origin: germline.
Comment: This sequence change replaces arginine with glutamine at codon 351 of the FGD4 protein (p.Arg351Gln). The arginine residue is highly conserved and there is a small physicochemical difference between arginine and glutamine. This variant is present in population databases (rs138762438, ExAC 0.03%). This variant has not been reported in the literature in individuals affected with FGD4-related conditions. Algorithms developed to predict the effect of missense changes on protein structure and function (SIFT, PolyPhen-2, Align-GVGD) all suggest that this variant is likely to be disruptive. Algorithms developed to predict the effect of sequence changes on RNA splicing suggest that this variant may create or strengthen a splice site. In summary, the available evidence is currently insufficient to determine the role of this variant in disease. Therefore, it has been classified as a Variant of Uncertain Significance.

NM_001370298.3(FGD4):c.1463G>A (p.Arg488Gln)

Gene: FGD4 (FYVE, RhoGEF and PH domain containing 4; plus strand). Cytogenetic location: 12p11.21.
Variant type: single nucleotide variant.
Coding change: c.1463G>A on transcript NM_001370298.3 (MANE Select); coding-DNA position 1463, G replaced by A.
Protein change: p.Arg488Gln; replaces arginine 488 with glutamine.
Molecular consequence: missense variant.
Genome position (GRCh38, 1-based): chr12:32,608,015, G>A. VCF-style: chr12-32608015-G-A. GRCh37 (hg19) VCF-style: chr12-32760949-G-A.
Other names: c.1052G>A (NM_139241.2); c.1307G>A, p.Arg436Gln (NM_001304481.2); c.308G>A, p.Arg103Gln (NM_001304483.2); c.20G>A, p.Arg7Gln (NM_001304484.2); c.773G>A, p.Arg258Gln (NM_001330373.2, NM_001330374.2, NM_001384130.1); c.500G>A, p.Arg167Gln (NM_001370297.1); c.1463G>A, p.Arg488Gln (NM_001384126.1); c.1052G>A, p.Arg351Gln (NM_001384127.1, NM_001384128.1, NM_001385118.1 and 1 more transcripts); short protein forms R103Q, R436Q, R488Q, R7Q, R351Q, R167Q, R258Q.
Identifiers: ClinVar variation 1429449 (VCV001429449.7), dbSNP rs138762438, ClinGen allele CA6506789.
Genomic context (GRCh38, chr12:32,608,015, plus strand): 5'-AGAAACAGAAAATCTGTGGGAGCTTAACTTTGCAGCATCACATGCTAGAACCTGTTCAGC[G>A]GATTCCCCGGTATGAGATGCTCCTTAAGGACTATCTAAGGAAATTGCCTCCTGATTCCCT-3'
Protein context (NP_001357227.2, residues 478-498): LQHHMLEPVQ[Arg488Gln]IPRYEMLLKD